The following is an entry in ClinVar:

ClinVar aggregate classification (germline): Uncertain significance (1 of 4 stars; one submission).

Allele frequency attached by ClinVar (database versions not stated): gnomAD exomes 0.00002.
gnomAD v4.1: 1 of 1,023,806 alleles (0.000098%); highest among the groups gnomAD compares: Non-Finnish European, 0.00012%; no homozygotes.

Submission:

Labcorp Genetics (formerly Invitae), Labcorp
Classification: Uncertain significance. Last evaluated: 2022-02-24. Review status: criteria provided, single submitter. Criteria: Invitae Variant Classification Sherloc (09022015). Collection method: clinical testing. Allele origin: germline.
Comment: This sequence change replaces leucine, which is neutral and non-polar, with proline, which is neutral and non-polar, at codon 124 of the TPRN protein (p.Leu124Pro). In summary, the available evidence is currently insufficient to determine the role of this variant in disease. Therefore, it has been classified as a Variant of Uncertain Significance. Algorithms developed to predict the effect of missense changes on protein structure and function are either unavailable or do not agree on the potential impact of this missense change (SIFT: "Deleterious"; PolyPhen-2: "Benign"; Align-GVGD: "Class C0"). This variant has not been reported in the literature in individuals affected with TPRN-related conditions. The frequency data for this variant in the population databases is considered unreliable, as metrics indicate insufficient coverage at this position in the gnomAD database.

NM_001128228.3(TPRN):c.371T>C (p.Leu124Pro)

Gene: TPRN (taperin; minus strand). Cytogenetic location: 9q34.3.
Variant type: single nucleotide variant.
Coding change: c.371T>C on transcript NM_001128228.3 (MANE Select); coding-DNA position 371, T replaced by C.
Protein change: p.Leu124Pro; replaces leucine 124 with proline.
Molecular consequence: missense variant.
Genome position (GRCh38, 1-based): chr9:137,200,341, A>G on the plus strand (T>C on the coding strand, the complement: TPRN is on the minus strand). VCF-style: chr9-137200341-A-G. GRCh37 (hg19) VCF-style: chr9-140094793-A-G.
Other names: short protein forms L124P.
Identifiers: ClinVar variation 2102967 (VCV002102967.4), dbSNP rs2538731648, ClinGen allele CA375783199.